The following is an entry in ClinVar:

NM_001375524.1(TRRAP):c.8324G>A (p.Arg2775Gln)

Gene: TRRAP (transformation/transcription domain associated protein; plus strand). Cytogenetic location: 7q22.1.
Variant type: single nucleotide variant.
Coding change: c.8324G>A on transcript NM_001375524.1 (MANE Select); coding-DNA position 8324, G replaced by A.
Protein change: p.Arg2775Gln; replaces arginine 2775 with glutamine.
Molecular consequence: missense variant.
Genome position (GRCh38, 1-based): chr7:98,977,015, G>A. VCF-style: chr7-98977015-G-A. GRCh37 (hg19) VCF-style: chr7-98574638-G-A.
Other names: c.8249G>A (NM_003496.3); c.8303G>A, p.Arg2768Gln (NM_001244580.2); c.8249G>A, p.Arg2750Gln (NM_003496.4); short protein forms R2750Q, R2768Q, R2775Q.
Identifiers: ClinVar variation 1802234 (VCV001802234.4), dbSNP rs1243324220, ClinGen allele CA368304747.

ClinVar aggregate classification (germline): Uncertain significance. Review status: criteria provided, multiple submitters, no conflicts (2 of 4 stars). 2 submissions from 2 submitters: Uncertain significance (2). Last evaluated 2026-02-04.

Conditions:
Developmental delay with or without dysmorphic facies and autism. Identifiers: MedGen C5193106, MONDO:0032760, OMIM 618454.

Allele frequency attached by ClinVar (database versions not stated): gnomAD 0.00002; TOPMed 0.00003; gnomAD exomes 0.00001.
gnomAD v4.1: 12 of 1,614,064 alleles (0.00074%); highest among the groups gnomAD compares: African/African-American, 0.0027%; no homozygotes.

Submissions (2):

GeneDx
Classification: Uncertain significance. Last evaluated: 2026-02-04. Review status: criteria provided, single submitter. Criteria: GeneDx Variant Classification Process June 2021. Collection method: clinical testing. Allele origin: germline.
Comment: Not observed at significant frequency in large population cohorts (gnomAD); In silico analysis suggests that this missense variant does not alter protein structure/function; Has not been previously published as pathogenic or benign to our knowledge

Diagnostics Services (NGS), CSIR - Centre For Cellular And Molecular Biology
Classification: Uncertain significance for Developmental delay with or without dysmorphic facies and autism. Last evaluated: 2022-09-07. Review status: criteria provided, single submitter. Criteria: ACMG Guidelines, 2015. Collection method: clinical testing. Allele origin: unknown. Affected: yes. Observed: 1 variant allele, 1 heterozygote.
Comment: The c.8324G>A variant is not present in 1000 Genomes, EVS, ExAC, gnomAD, Indian Exome Database or our in-house exome database. The variant has not been previously reported to ClinVar, HGMD or OMIM databases in any affected individuals. In-silico pathogenicity prediction programs like SIFT, PolyPhen-2, MutationTaster2, CADD etc. predicted this variant to be likely deleterious, however these predictions were not confirmed by any published functional studies.